The following is an entry in ClinVar:

NM_001148.6(ANK2):c.9208A>G (p.Met3070Val)

Gene: ANK2 (ankyrin 2; plus strand). Cytogenetic location: 4q26.
Variant type: single nucleotide variant.
Coding change: c.9208A>G on transcript NM_001148.6 (MANE Select); coding-DNA position 9208, A replaced by G.
Protein change: p.Met3070Val; replaces methionine 3070 with valine.
Molecular consequence: missense variant. On other transcripts: intron variant (68).
Genome position (GRCh38, 1-based): chr4:113,357,826, A>G. VCF-style: chr4-113357826-A-G. GRCh37 (hg19) VCF-style: chr4-114278982-A-G.
Other names: c.8974A>G, p.Met2992Val (NM_001386142.1); c.5608A>G, p.Met1870Val (NM_001386166.1); c.9349A>G, p.Met3117Val (NM_001386174.1); c.9325A>G, p.Met3109Val (NM_001386175.1); c.4412-2997A>G (NM_001386186.2, NM_001386148.2); c.4214-2997A>G (NM_001354269.3); c.4292-2997A>G (NM_001386187.2); c.4253-2997A>G (NM_001386147.1); and 36 more; short protein forms M3109V, M3117V, M1870V, M2992V, M3070V.
Identifiers: ClinVar variation 1045247 (VCV001045247.8), dbSNP rs2095893623, ClinGen allele CA357936835.

ClinVar aggregate classification (germline): Uncertain significance. Review status: criteria provided, multiple submitters, no conflicts (2 of 4 stars). 2 submissions from 2 submitters: Uncertain significance (2). Last evaluated 2025-06-24.

Conditions:
Cardiovascular phenotype. Identifiers: MedGen CN230736.
Long QT syndrome (LQTS). Identifiers: MedGen C0023976, MeSH D008133, MONDO:0002442. Disease mechanism: loss of function. Inheritance: Various modes of inheritance.

Allele frequency attached by ClinVar (database versions not stated): gnomAD exomes 0.00001.
gnomAD v4.1: 5 of 1,613,936 alleles (0.00031%); highest among the groups gnomAD compares: East Asian, 0.0022%; no homozygotes.

Submissions (2):

Ambry Genetics
Classification: Uncertain significance for Cardiovascular phenotype. Last evaluated: 2025-06-24. Review status: criteria provided, single submitter. Criteria: Ambry Variant Classification Scheme 2023. Collection method: clinical testing. Allele origin: germline.

Labcorp Genetics (formerly Invitae), Labcorp
Classification: Uncertain significance for Long QT syndrome. Last evaluated: 2020-12-23. Review status: criteria provided, single submitter. Criteria: Invitae Variant Classification Sherloc (09022015). Collection method: clinical testing. Allele origin: germline.
Comment: In summary, the available evidence is currently insufficient to determine the role of this variant in disease. Therefore, it has been classified as a Variant of Uncertain Significance. Algorithms developed to predict the effect of missense changes on protein structure and function are either unavailable or do not agree on the potential impact of this missense change (SIFT: "Tolerated"; PolyPhen-2: "Probably Damaging"; Align-GVGD: "Class C0"). This variant has not been reported in the literature in individuals with ANK2-related conditions. This variant is not present in population databases (ExAC no frequency). This sequence change replaces methionine with valine at codon 3070 of the ANK2 protein (p.Met3070Val). The methionine residue is weakly conserved and there is a small physicochemical difference between methionine and valine.